The following is an entry in ClinVar:

NM_021871.4(FGA):c.327_337del (p.Met110fs)

Gene: FGA (fibrinogen alpha chain; minus strand). Cytogenetic location: 4q31.3.
Variant type: Deletion.
Coding change: c.327_337del on transcript NM_021871.4 (MANE Select); coding-DNA positions 327 to 337, 11 bases deleted (AATGGAAATTT).
Protein change: p.Met110fs; shifts the reading frame from methionine 110.
Molecular consequence: frameshift variant.
Genome position (GRCh38, 1-based): chr4:154,588,820-154,588,830, AAATTTCCATT deleted on the plus strand (AATGGAAATTT on the coding strand, the reverse complement: FGA is on the minus strand); deleting any 11 consecutive bases within chr4:154,588,820-154,588,831 gives the same sequence; the c. name uses the placement nearest the transcript's 3' end. VCF-style (leftmost placement, unchanged base first): chr4-154588819-AAAATTTCCATT-A. GRCh37 (hg19) VCF-style: chr4-155509971-AAAATTTCCATT-A.
Other names: c.327_337del, p.Met110fs (NM_000508.5); short protein forms M110fs.
Identifiers: ClinVar variation 817729 (VCV000817729.1), dbSNP rs1578798730, ClinGen allele CA915943205.

ClinVar aggregate classification (germline): Pathogenic (1 of 4 stars; one submission).

Submission:

GeneDx
Classification: Pathogenic. Last evaluated: 2018-07-24. Review status: criteria provided, single submitter. Criteria: GeneDx Variant Classification (06012015). Collection method: clinical testing. Allele origin: germline. Affected: yes.
Comment: The c.327_337del11 pathogenic variant in the FGA gene has not been reported previously as a pathogenic variant, nor as a benign variant, to our knowledge. The c.327_337del11 variant causes a frameshift starting with codon Methionine 110, changes this amino acid to a Glutamic acid residue, and creates a premature Stop codon at position 9 of the new reading frame, denoted p.Met110GlufsX9. This variant is predicted to cause loss of normal protein function either through protein truncation or nonsense-mediated mRNA decay. The c.327_337del11 variant is not observed in large population cohorts (Lek et al., 2016). We interpret c.327_337del11 as a pathogenic variant.